The following is an entry in ClinVar:

ClinVar aggregate classification (germline): Likely benign (1 of 4 stars; one submission).

gnomAD v4.1: 3 of 1,612,546 alleles (0.00019%); highest among the groups gnomAD compares: Non-Finnish European, 0.00025%; no homozygotes.

Submission:

CeGaT Center for Human Genetics Tuebingen
Classification: Likely benign. Last evaluated: 2025-08-01. Review status: criteria provided, single submitter. Criteria: CeGaT Center For Human Genetics Tuebingen Variant Classification Criteria Version 2. Collection method: clinical testing. Allele origin: germline. Affected: yes. Observed: 1 variant allele.
Comment: DST: BP4, BP7

NM_001374736.1(DST):c.10125A>G (p.Glu3375=)

Gene: DST (dystonin; minus strand). Cytogenetic location: 6p12.1.
Variant type: single nucleotide variant.
Coding change: c.10125A>G on transcript NM_001374736.1 (MANE Select); coding-DNA position 10125, A replaced by G.
Protein change: p.Glu3375=; no amino-acid change (glutamic acid 3375 retained).
Molecular consequence: synonymous variant. On other transcripts: intron variant (6).
Genome position (GRCh38, 1-based): chr6:56,604,503, T>C on the plus strand (A>G on the coding strand, the complement: DST is on the minus strand). VCF-style: chr6-56604503-T-C. GRCh37 (hg19) VCF-style: chr6-56469301-T-C.
Other names: c.10125A>G, p.Glu3375= (NM_001374722.1); c.9492A>G, p.Glu3164= (NM_001374729.1); c.10152A>G, p.Glu3384= (NM_001374734.1); c.5185-4282A>G (NM_001144769.5); c.4771-4282A>G (NM_001144770.2); c.4651-4282A>G (NM_001374730.1, NM_001386100.1, NM_183380.4); c.3673-4282A>G (NM_015548.5).
Identifiers: ClinVar variation 4084555 (VCV004084555.8).